The following is an entry in ClinVar:

NM_021008.4(DEAF1):c.112G>A (p.Glu38Lys)

Gene: DEAF1 (DEAF1 transcription factor; minus strand). Cytogenetic location: 11p15.5.
Variant type: single nucleotide variant.
Coding change: c.112G>A on transcript NM_021008.4 (MANE Select); coding-DNA position 112, G replaced by A.
Protein change: p.Glu38Lys; replaces glutamic acid 38 with lysine.
Molecular consequence: missense variant. On other transcripts: intron variant (1).
Genome position (GRCh38, 1-based): chr11:694,936, C>T on the plus strand (G>A on the coding strand, the complement: DEAF1 is on the minus strand). VCF-style: chr11-694936-C-T. GRCh37 (hg19) VCF-style: chr11-694936-C-T.
Other names: c.112G>A, p.Glu38Lys (NM_001293634.2); c.-437-3338G>A (NM_001367390.1); short protein forms E38K.
Identifiers: ClinVar variation 1346926 (VCV001346926.7), dbSNP rs757711419, ClinGen allele CA5786650.
Genomic context (GRCh38, chr11:694,936, plus strand): 5'-GCTCCGCCTCCGAGTCTGCGTCCTCCTCCGAGTCCTCGTCCCTGCTCAGCACCGGCTCCT[C>T]CGCCTCGCCTCCTGCCGCGGCCGCGGCCGCCGCCGCCACAGCGGCCGCGGCCGCCACCGC-3'
Protein context (NP_066288.2, residues 28-48): AAAAAAGGEA[Glu38Lys]EPVLSRDEDS

ClinVar aggregate classification (germline): Conflicting classifications of pathogenicity. Review status: criteria provided, conflicting classifications (1 of 4 stars). 2 submissions from 2 submitters: Uncertain significance (1); Likely benign (1). Last evaluated 2025-10-20.

Conditions:
Inborn genetic diseases. Identifiers: MedGen C0950123, MeSH D030342.

Allele frequency attached by ClinVar (database versions not stated): TOPMed 0.00005; gnomAD 0.00007; gnomAD exomes 0.00015; ExAC 0.00022.

Submissions (2):

Labcorp Genetics (formerly Invitae), Labcorp
Classification: Uncertain significance. Last evaluated: 2025-10-20. Review status: criteria provided, single submitter. Criteria: Invitae Variant Classification Sherloc (09022015). Collection method: clinical testing. Allele origin: germline.
Comment: This sequence change replaces glutamic acid, which is acidic and polar, with lysine, which is basic and polar, at codon 38 of the DEAF1 protein (p.Glu38Lys). This variant is present in population databases (rs757711419, gnomAD 0.2%). This variant has not been reported in the literature in individuals affected with DEAF1-related conditions. ClinVar contains an entry for this variant (Variation ID: 1346926). Invitae Evidence Modeling of protein sequence and biophysical properties (such as structural, functional, and spatial information, amino acid conservation, physicochemical variation, residue mobility, and thermodynamic stability) indicates that this missense variant is not expected to disrupt DEAF1 protein function with a negative predictive value of 80%. In summary, the available evidence is currently insufficient to determine the role of this variant in disease. Therefore, it has been classified as a Variant of Uncertain Significance.

Ambry Genetics
Classification: Likely benign for Inborn genetic diseases. Last evaluated: 2022-03-25. Review status: criteria provided, single submitter. Criteria: Ambry Variant Classification Scheme 2023. Collection method: clinical testing. Allele origin: germline.